The following is an entry in ClinVar:

ClinVar aggregate classification (germline): Conflicting classifications of pathogenicity. Review status: criteria provided, conflicting classifications (1 of 4 stars). 3 submissions from 3 submitters: Uncertain significance (2); Likely benign (1). Last evaluated 2026-02-10.

Conditions:
MPI-related disorder. Also called: MPI-related condition.
MPI-congenital disorder of glycosylation. Also called: MPI DEFICIENCY; CONGENITAL DISORDER OF GLYCOSYLATION, TYPE Ib; MANNOSEPHOSPHATE ISOMERASE DEFICIENCY; MPI-CDG; CDG Ib; PROTEIN-LOSING ENTEROPATHY-HEPATIC FIBROSIS SYNDROME. Identifiers: Orphanet 79319, MedGen C1865145, MONDO:0011257, OMIM 602579.

Allele frequency attached by ClinVar (database versions not stated): gnomAD 0.00008 and 0.00014; TOPMed 0.00015; gnomAD exomes 0.00044; ExAC 0.00050; 1000 Genomes Project 0.00060; 1000 Genomes Project 30x 0.00062.

Submissions (3):

PreventionGenetics, part of Exact Sciences
Classification: Likely benign for MPI-related condition. Last evaluated: 2026-02-10. Review status: criteria provided, single submitter. Criteria: ACMG Guidelines, 2015. Collection method: clinical testing. Allele origin: germline.
Comment: This variant is classified as likely benign based on ACMG/AMP sequence variant interpretation guidelines (Richards et al. 2015 PMID: 25741868, with internal and published modifications).

Fulgent Genetics
Classification: Uncertain significance for MPI-congenital disorder of glycosylation. Last evaluated: 2022-04-24. Review status: criteria provided, single submitter. Criteria: ACMG Guidelines, 2015. Collection method: clinical testing. Allele origin: unknown.

Illumina Laboratory Services, Illumina
Classification: Uncertain significance for MPI-congenital disorder of glycosylation. Last evaluated: 2018-01-13. Review status: criteria provided, single submitter. Criteria: ICSL Variant Classification Criteria 13 December 2019. Collection method: clinical testing. Allele origin: germline.

NM_002435.3(MPI):c.-5C>T

Gene: MPI (mannose phosphate isomerase; plus strand). Cytogenetic location: 15q24.1.
Variant type: single nucleotide variant.
Coding change: c.-5C>T on transcript NM_002435.3 (MANE Select); 5 bases upstream of the start codon, C replaced by T.
Molecular consequence: 5 prime UTR variant.
Genome position (GRCh38, 1-based): chr15:74,890,069, C>T. VCF-style: chr15-74890069-C-T. GRCh37 (hg19) VCF-style: chr15-75182410-C-T.
Other names: c.-5C>T (NM_001289155.2, NM_001289157.2, NM_002435.2); c.-27C>T (NM_001289156.2); c.-154C>T (NM_001330372.2).
Identifiers: ClinVar variation 885951 (VCV000885951.6), dbSNP rs145533697, ClinGen allele CA7662262.